The following is an entry in ClinVar:

NM_002473.6(MYH9):c.3177C>A (p.Asp1059Glu)

Gene: MYH9 (myosin heavy chain 9; minus strand). Cytogenetic location: 22q12.3.
Variant type: single nucleotide variant.
Coding change: c.3177C>A on transcript NM_002473.6 (MANE Select); coding-DNA position 3177, C replaced by A.
Protein change: p.Asp1059Glu; replaces aspartic acid 1059 with glutamic acid.
Molecular consequence: missense variant.
Genome position (GRCh38, 1-based): chr22:36,296,938, G>T on the plus strand (C>A on the coding strand, the complement: MYH9 is on the minus strand). VCF-style: chr22-36296938-G-T. GRCh37 (hg19) VCF-style: chr22-36692984-G-T.
Other names: short protein forms D1059E.
Identifiers: ClinVar variation 1903951 (VCV001903951.7), dbSNP rs140004540, ClinGen allele CA411389543.

ClinVar aggregate classification (germline): Uncertain significance. Review status: criteria provided, multiple submitters, no conflicts (2 of 4 stars). 2 submissions from 2 submitters: Uncertain significance (2). Last evaluated 2026-06-01.

gnomAD v4.1: 4 of 1,614,132 alleles (0.00025%); highest among the groups gnomAD compares: Non-Finnish European, 0.00034%; no homozygotes.

Submissions (2):

CeGaT Center for Human Genetics Tuebingen
Classification: Uncertain significance. Last evaluated: 2026-06-01. Review status: criteria provided, single submitter. Criteria: CeGaT Center For Human Genetics Tuebingen Variant Classification Criteria Version 2. Collection method: clinical testing. Allele origin: germline. Affected: yes. Observed: 1 variant allele.

Labcorp Genetics (formerly Invitae), Labcorp
Classification: Uncertain significance. Last evaluated: 2025-08-21. Review status: criteria provided, single submitter. Criteria: Invitae Variant Classification Sherloc (09022015). Collection method: clinical testing. Allele origin: germline.
Comment: This sequence change replaces aspartic acid, which is acidic and polar, with glutamic acid, which is acidic and polar, at codon 1059 of the MYH9 protein (p.Asp1059Glu). This variant is not present in population databases (gnomAD no frequency). This variant has not been reported in the literature in individuals affected with MYH9-related conditions. ClinVar contains an entry for this variant (Variation ID: 1903951). Invitae Evidence Modeling of protein sequence and biophysical properties (such as structural, functional, and spatial information, amino acid conservation, physicochemical variation, residue mobility, and thermodynamic stability) indicates that this missense variant is not expected to disrupt MYH9 protein function with a negative predictive value of 95%. In summary, the available evidence is currently insufficient to determine the role of this variant in disease. Therefore, it has been classified as a Variant of Uncertain Significance.